The following is an entry in ClinVar:

ClinVar aggregate classification (germline): Uncertain significance (1 of 4 stars; one submission).

Allele frequency attached by ClinVar (database versions not stated): ExAC 0.00001; gnomAD 0.00001; gnomAD exomes 0.00002; TOPMed 0.00002.
gnomAD v4.1: 27 of 1,613,720 alleles (0.0017%); highest among the groups gnomAD compares: African/African-American, 0.0053%; no homozygotes.

Submission:

Labcorp Genetics (formerly Invitae), Labcorp
Classification: Uncertain significance. Last evaluated: 2022-05-10. Review status: criteria provided, single submitter. Criteria: Invitae Variant Classification Sherloc (09022015). Collection method: clinical testing. Allele origin: germline.
Comment: This variant is present in population databases (rs755244994, gnomAD 0.004%). This variant has not been reported in the literature in individuals affected with FAT1-related conditions. This sequence change replaces arginine, which is basic and polar, with glutamine, which is neutral and polar, at codon 2917 of the FAT1 protein (p.Arg2917Gln). In summary, the available evidence is currently insufficient to determine the role of this variant in disease. Therefore, it has been classified as a Variant of Uncertain Significance. Algorithms developed to predict the effect of missense changes on protein structure and function are either unavailable or do not agree on the potential impact of this missense change (SIFT: "Deleterious"; PolyPhen-2: "Benign"; Align-GVGD: "Class C35").

NM_005245.4(FAT1):c.8750G>A (p.Arg2917Gln)

Genes: FAT1 (FAT atypical cadherin 1; minus strand), LOC126807255 (BRD4-independent group 4 enhancer GRCh37_chr4:187538202-187539401; plus strand). Cytogenetic location: 4q35.2.
Variant type: single nucleotide variant.
Coding change: c.8750G>A on transcript NM_005245.4 (MANE Select); coding-DNA position 8750, G replaced by A.
Protein change: p.Arg2917Gln; replaces arginine 2917 with glutamine.
Molecular consequence: missense variant.
Genome position (GRCh38, 1-based): chr4:186,617,836, C>T on the plus strand (G>A on the coding strand, the complement: FAT1 is on the minus strand). VCF-style: chr4-186617836-C-T. GRCh37 (hg19) VCF-style: chr4-187538990-C-T.
Other names: short protein forms R2917Q.
Identifiers: ClinVar variation 2191514 (VCV002191514.4), dbSNP rs755244994, ClinGen allele CA3165829.